The following is an entry in ClinVar:

ClinVar aggregate classification (germline): Uncertain significance (1 of 4 stars; one submission).

Conditions:
Hereditary spastic paraplegia 47. Also called: Spastic paraplegia 47, autosomal recessive; CEREBRAL PALSY, SPASTIC QUADRIPLEGIC, 5; adaptor protein 4 (AP-4) deficiency syndrome. Identifiers: Orphanet 280763, MedGen C3279738, MONDO:0013551, OMIM 614066.

Allele frequency attached by ClinVar (database versions not stated): gnomAD 0.00001; ExAC 0.00001; TOPMed 0.00002; gnomAD exomes 0.00001.
gnomAD v4.1: 7 of 1,613,740 alleles (0.00043%); highest among the groups gnomAD compares: South Asian, 0.0011%; no homozygotes.

Submission:

Labcorp Genetics (formerly Invitae), Labcorp
Classification: Uncertain significance for Hereditary spastic paraplegia 47. Last evaluated: 2022-06-05. Review status: criteria provided, single submitter. Criteria: Invitae Variant Classification Sherloc (09022015). Collection method: clinical testing. Allele origin: germline.
Comment: This sequence change replaces asparagine, which is neutral and polar, with histidine, which is basic and polar, at codon 31 of the AP4B1 protein (p.Asn31His). This variant is present in population databases (rs753932633, gnomAD 0.003%). This variant has not been reported in the literature in individuals affected with AP4B1-related conditions. ClinVar contains an entry for this variant (Variation ID: 1418633). Algorithms developed to predict the effect of missense changes on protein structure and function are either unavailable or do not agree on the potential impact of this missense change (SIFT: "Deleterious"; PolyPhen-2: "Possibly Damaging"; Align-GVGD: "Class C0"). In summary, the available evidence is currently insufficient to determine the role of this variant in disease. Therefore, it has been classified as a Variant of Uncertain Significance.

NM_001253852.3(AP4B1):c.91A>C (p.Asn31His)

Genes: AP4B1 (adaptor related protein complex 4 subunit beta 1; minus strand), DCLRE1B (DNA cross-link repair 1B; plus strand), LOC129931235 (ATAC-STARR-seq lymphoblastoid active region 1540; plus strand). Cytogenetic location: 1p13.2.
Variant type: single nucleotide variant.
Coding change: c.91A>C on transcript NM_001253852.3 (MANE Select); coding-DNA position 91, A replaced by C.
Protein change: p.Asn31His; replaces asparagine 31 with histidine.
Molecular consequence: missense variant. On other transcripts: 5 prime UTR variant (2).
Genome position (GRCh38, 1-based): chr1:113,904,627, T>G on the plus strand (A>C on the coding strand, the complement: AP4B1 is on the minus strand). VCF-style: chr1-113904627-T-G. GRCh37 (hg19) VCF-style: chr1-114447249-T-G.
Other names: c.-79A>C (NM_001253853.3); c.91A>C, p.Asn31His (NM_001308312.2, NM_001437822.1, NM_001438373.1 and 7 more transcripts); c.-412T>G (NM_001319947.2); short protein forms N31H.
Identifiers: ClinVar variation 1418633 (VCV001418633.6), dbSNP rs753932633, ClinGen allele CA1016208.
Genomic context (GRCh38, chr1:113,904,627, plus strand): 5'-AAGGGAGCAGTTAGCACGCGAAGGGAGGTAGGTGATACCTAATCACTCGCTGGATGACAT[T>G]CCGGTAGCGCAGCCTATCAGCTTGAATGTGAGGATTGCACAGAGCCTTCTTCAGCTCCTT-3'
Protein context (NP_001240781.1, residues 21-41): HIQADRLRYR[Asn31His]VIQRVIRYMT